The following is an entry in ClinVar:

NM_001089.3(ABCA3):c.393C>T (p.Ala131=)

Gene: ABCA3 (ATP binding cassette subfamily A member 3; minus strand). Cytogenetic location: 16p13.3.
Variant type: single nucleotide variant.
Coding change: c.393C>T on transcript NM_001089.3 (MANE Select); coding-DNA position 393, C replaced by T.
Protein change: p.Ala131=; no amino-acid change (alanine 131 retained).
Molecular consequence: synonymous variant.
Genome position (GRCh38, 1-based): chr16:2,324,458, G>A on the plus strand (C>T on the coding strand, the complement: ABCA3 is on the minus strand). VCF-style: chr16-2324458-G-A. GRCh37 (hg19) VCF-style: chr16-2374459-G-A.
Identifiers: ClinVar variation 712624 (VCV000712624.47), dbSNP rs145383120, ClinGen allele CA7841681.
Genomic context (GRCh38, chr16:2,324,458, plus strand): 5'-TCTCACCGCCAGCGGCAGGGGCTCCTTGCTGTGGTTGAAGGGGTGCTCGAAGACCACGGC[G>A]GCCAGCACGCTGGACGAGCAGTTGTCGTACCTAATGTAGTCCTCAAAGTCCTTCTCGGAG-3'
Protein context (NP_001080.2, residues 121-141): RYDNCSSSVL[Ala131=]AVVFEHPFNH

ClinVar aggregate classification (germline): Conflicting classifications of pathogenicity. Review status: criteria provided, conflicting classifications (1 of 4 stars). 6 submissions from 6 submitters: Uncertain significance (1); Benign (1); Likely benign (4). Last evaluated 2026-01-20.

Conditions:
Hereditary pulmonary alveolar proteinosis. Also called: Pulmonary surfactant metabolism dysfunction. Identifiers: Orphanet 264675, MedGen C3711368, MONDO:0012580.
Interstitial lung disease due to ABCA3 deficiency. Also called: PULMONARY ALVEOLAR PROTEINOSIS, CONGENITAL, 3. Identifiers: Orphanet 440402, MedGen C1970456, MONDO:0012582, OMIM 610921.

Allele frequency attached by ClinVar (database versions not stated): 1000 Genomes Project 0.00040; 1000 Genomes Project 30x 0.00047; gnomAD exomes 0.00095 and 0.00165; ExAC 0.00101; gnomAD 0.00102 and 0.00106; TOPMed 0.00116; ESP Exome Variant Server 0.00154.
gnomAD v4.1: 2,534 of 1,609,580 alleles (0.16%); highest among the groups gnomAD compares: Non-Finnish European, 0.2%; 3 homozygotes.

Submissions (6):

Labcorp Genetics (formerly Invitae), Labcorp
Classification: Benign. Last evaluated: 2026-01-20. Review status: criteria provided, single submitter. Criteria: Invitae Variant Classification Sherloc (09022015). Collection method: clinical testing. Allele origin: germline.

Blueprint Genetics
Classification: Likely benign. Last evaluated: 2024-11-19. Review status: criteria provided, single submitter. Criteria: ACMG Guidelines, 2015. Collection method: clinical testing. Allele origin: germline.

CeGaT Center for Human Genetics Tuebingen
Classification: Likely benign. Last evaluated: 2024-01-01. Review status: criteria provided, single submitter. Criteria: CeGaT Center For Human Genetics Tuebingen Variant Classification Criteria Version 2. Collection method: clinical testing. Allele origin: germline. Affected: yes. Observed: 2 variant alleles.
Comment: ABCA3: BP4, BP7

Johns Hopkins Genomics, Johns Hopkins University
Classification: Likely benign for Interstitial lung disease due to ABCA3 deficiency. Last evaluated: 2019-11-14. Review status: criteria provided, single submitter. Criteria: ACMG Guidelines, 2015. Collection method: clinical testing. Allele origin: germline.

Illumina Laboratory Services, Illumina
Classification: Uncertain significance for Interstitial lung disease due to ABCA3 deficiency. Last evaluated: 2017-04-28. Review status: criteria provided, single submitter. Criteria: ICSL Variant Classification Criteria 13 December 2019. Collection method: clinical testing. Allele origin: germline.
Comment: This variant was observed as part of a predisposition screen in an ostensibly healthy population. A literature search was performed for the gene, cDNA change, and amino acid change (where applicable). Publications were found based on this search. However, the evidence from the literature, in combination with allele frequency data from public databases where available, was not sufficient to rule this variant in or out of causing disease. Therefore, this variant is classified as a variant of unknown significance.

Ambry Genetics
Classification: Likely benign for Hereditary pulmonary alveolar proteinosis. Last evaluated: 2017-03-23. Review status: criteria provided, single submitter. Criteria: Ambry Variant Classification Scheme 2023. Collection method: clinical testing. Allele origin: germline.

Literature cited by the submitters: PubMed 15044640 (cited by Illumina Laboratory Services, Illumina); PubMed 24657120 (cited by Illumina Laboratory Services, Illumina).